The following is an entry in ClinVar:

ClinVar aggregate classification (germline): Uncertain significance (1 of 4 stars; one submission).

Conditions:
DICER1-related tumor predisposition. Also called: DICER1-related pleuropulmonary blastoma cancer predisposition syndrome; DICER1 syndrome. Identifiers: Orphanet 284343, MedGen C3839822, MONDO:0100216.

Allele frequency attached by ClinVar (database versions not stated): gnomAD exomes below 0.00001.
gnomAD v4.1: 1 of 1,614,068 alleles (0.000062%); highest among the groups gnomAD compares: Non-Finnish European, 0.000085%; no homozygotes.

Submission:

Labcorp Genetics (formerly Invitae), Labcorp
Classification: Uncertain significance for DICER1-related tumor predisposition. Last evaluated: 2020-03-01. Review status: criteria provided, single submitter. Criteria: Invitae Variant Classification Sherloc (09022015). Collection method: clinical testing. Allele origin: germline.
Comment: In summary, the available evidence is currently insufficient to determine the role of this variant in disease. Therefore, it has been classified as a Variant of Uncertain Significance. Nucleotide substitutions within the consensus splice site are a relatively common cause of aberrant splicing (PMID: 17576681, 9536098). Algorithms developed to predict the effect of sequence changes on RNA splicing suggest that this variant is not likely to affect RNA splicing, but this prediction has not been confirmed by published transcriptional studies. This variant has not been reported in the literature in individuals with DICER1-related conditions. This variant is not present in population databases (ExAC no frequency). This sequence change falls in intron 18 of the DICER1 gene. It does not directly change the encoded amino acid sequence of the DICER1 protein, but it affects a nucleotide within the consensus splice site of the intron.

Literature cited by the submitters: PubMed 17576681; PubMed 9536098.

NM_177438.3(DICER1):c.2987+5G>A

Gene: DICER1 (dicer 1, ribonuclease III; minus strand). Cytogenetic location: 14q32.13.
Variant type: single nucleotide variant.
Coding change: c.2987+5G>A on transcript NM_177438.3 (MANE Select); 5 bases into the intron after coding-DNA position 2987, G replaced by A.
Molecular consequence: intron variant.
Genome position (GRCh38, 1-based): chr14:95,106,036, C>T on the plus strand (G>A on the coding strand, the complement: DICER1 is on the minus strand). VCF-style: chr14-95106036-C-T. GRCh37 (hg19) VCF-style: chr14-95572373-C-T.
Other names: c.2987+5G>A (NM_001291628.2, NM_030621.4, NM_001271282.3 and 1 more transcripts).
Identifiers: ClinVar variation 1017803 (VCV001017803.8), dbSNP rs1262736650, ClinGen allele CA2156307990.
Genomic context (GRCh38, chr14:95,106,036, plus strand): 5'-TGTCTAGTGATGTCTGGTAAGAATCCCTCAAGTGCAATCCAAGTGTCATCTCTGAAGCCC[C>T]TTACCTTGAAGATGTGTGGTCCACATCCAGCAGTGGCTGGTTGAGATTGGTTAGGTCAAG-3'